The following is an entry in ClinVar:

NM_018105.3(THAP1):c.68A>G (p.His23Arg)

Gene: THAP1 (THAP domain containing 1; minus strand). Cytogenetic location: 8p11.21.
Variant type: single nucleotide variant.
Coding change: c.68A>G on transcript NM_018105.3 (MANE Select); coding-DNA position 68, A replaced by G.
Protein change: p.His23Arg; replaces histidine 23 with arginine.
Molecular consequence: missense variant.
Genome position (GRCh38, 1-based): chr8:42,843,027, T>C on the plus strand (A>G on the coding strand, the complement: THAP1 is on the minus strand). VCF-style: chr8-42843027-T-C. GRCh37 (hg19) VCF-style: chr8-42698170-T-C.
Other names: c.68A>G, p.His23Arg (NM_199003.2); c.68A>G (NM_018105.2); short protein forms H23R.
Identifiers: ClinVar variation 1062772 (VCV001062772.6), dbSNP rs387907177, ClinGen allele CA371109426.
Genomic context (GRCh38, chr8:42,843,027, plus strand): 5'-GGCCGCGCGCCCCCACCCCGGCTGAGACCGGCCCCGCGAGGCGCGCAGGGTCCTCACTTG[T>C]GGAAAGAAACGGGCTTGTCCTTGTCGTAGCGGTTCTTGCAGCCGTAGGCGGAGCAGGACT-3'
Protein context (NP_060575.1, residues 13-33): RYDKDKPVSF[His23Arg]KFPLTRPSLC

ClinVar aggregate classification (germline): Uncertain significance. Review status: criteria provided, multiple submitters, no conflicts (2 of 4 stars). 2 submissions from 2 submitters: Uncertain significance (2). Last evaluated 2025-09-01.

Conditions:
Torsion dystonia 6 (DYT6). Also called: DYT-THAP1. Identifiers: Orphanet 98806, MedGen C1414216, MONDO:0011264, OMIM 602629.

Submissions (2):

Labcorp Genetics (formerly Invitae), Labcorp
Classification: Uncertain significance for Torsion dystonia 6. Last evaluated: 2025-09-01. Review status: criteria provided, single submitter. Criteria: Invitae Variant Classification Sherloc (09022015). Collection method: clinical testing. Allele origin: germline.
Comment: This sequence change replaces histidine, which is basic and polar, with arginine, which is basic and polar, at codon 23 of the THAP1 protein (p.His23Arg). This variant is not present in population databases (gnomAD no frequency). This missense change has been observed in individual(s) with dystonia (internal data). ClinVar contains an entry for this variant (Variation ID: 1062772). An algorithm developed to predict the effect of missense changes on protein structure and function (PolyPhen-2) suggests that this variant is likely to be tolerated. This variant disrupts the p.His23 amino acid residue in THAP1. Other variant(s) that disrupt this residue have been observed in individuals with THAP1-related conditions (PMID: 24500857), which suggests that this may be a clinically significant amino acid residue. In summary, the available evidence is currently insufficient to determine the role of this variant in disease. Therefore, it has been classified as a Variant of Uncertain Significance.

GeneDx
Classification: Uncertain significance. Last evaluated: 2023-06-29. Review status: criteria provided, single submitter. Criteria: GeneDx Variant Classification Process June 2021. Collection method: clinical testing. Allele origin: germline. Affected: yes.
Comment: Not observed at significant frequency in large population cohorts (gnomAD); In silico analysis supports that this missense variant has a deleterious effect on protein structure/function; In silico analysis suggests this variant may impact gene splicing. In the absence of RNA/functional studies, the actual effect of this sequence change is unknown.; Has not been previously published as pathogenic or benign to our knowledge

Literature cited by the submitters: PubMed 24500857 (cited by Labcorp Genetics (formerly Invitae), Labcorp).